The following is an entry in ClinVar:

ClinVar aggregate classification (germline): Likely benign. Review status: criteria provided, multiple submitters, no conflicts (2 of 4 stars). 2 submissions from 2 submitters: Likely benign (2). Last evaluated 2021-04-13.

gnomAD v4.1: 3 of 1,601,736 alleles (0.00019%); highest among the groups gnomAD compares: Non-Finnish European, 0.00026%; no homozygotes.

Submissions (2):

Labcorp Genetics (formerly Invitae), Labcorp
Classification: Likely benign. Last evaluated: 2021-04-13. Review status: criteria provided, single submitter. Criteria: Invitae Variant Classification Sherloc (09022015). Collection method: clinical testing. Allele origin: germline.

Laboratory for Molecular Medicine, Mass General Brigham Personalized Medicine
Classification: Likely benign. Last evaluated: 2011-07-28. Review status: criteria provided, single submitter. Criteria: LMM Criteria. Collection method: clinical testing. Allele origin: germline. Observed: 1 variant allele.
Comment: Arg677Arg in exon 17 of SLC26A4: This variant is not expected to have clinical s ignificance because it does not alter an amino acid residue and is not located n ear a splice junction.

NM_000441.2(SLC26A4):c.2029C>A (p.Arg677=)

Gene: SLC26A4 (solute carrier family 26 member 4; plus strand). Cytogenetic location: 7q22.3.
Variant type: single nucleotide variant.
Coding change: c.2029C>A on transcript NM_000441.2 (MANE Select); coding-DNA position 2029, C replaced by A.
Protein change: p.Arg677=; no amino-acid change (arginine 677 retained).
Molecular consequence: synonymous variant.
Genome position (GRCh38, 1-based): chr7:107,702,052, C>A. VCF-style: chr7-107702052-C-A. GRCh37 (hg19) VCF-style: chr7-107342497-C-A.
Identifiers: ClinVar variation 43534 (VCV000043534.12), dbSNP rs397516426, ClinGen allele CA132693.